The following is an entry in ClinVar:

NM_003737.4(DCHS1):c.575G>A (p.Arg192Gln)

Gene: DCHS1 (dachsous cadherin-related 1; minus strand). Cytogenetic location: 11p15.4.
Variant type: single nucleotide variant.
Coding change: c.575G>A on transcript NM_003737.4 (MANE Select); coding-DNA position 575, G replaced by A.
Protein change: p.Arg192Gln; replaces arginine 192 with glutamine.
Molecular consequence: missense variant.
Genome position (GRCh38, 1-based): chr11:6,641,039, C>T on the plus strand (G>A on the coding strand, the complement: DCHS1 is on the minus strand). VCF-style: chr11-6641039-C-T. GRCh37 (hg19) VCF-style: chr11-6662270-C-T.
Other names: c.575G>A (NM_003737.2); short protein forms R192Q.
Identifiers: ClinVar variation 1903783 (VCV001903783.6), dbSNP rs556920474, ClinGen allele CA5861128.

ClinVar aggregate classification (germline): Uncertain significance. Review status: criteria provided, multiple submitters, no conflicts (2 of 4 stars). 2 submissions from 2 submitters: Uncertain significance (2). Last evaluated 2023-08-14.

Conditions:
Inborn genetic diseases. Identifiers: MedGen C0950123, MeSH D030342.

Allele frequency attached by ClinVar (database versions not stated): ExAC 0.00001; TOPMed 0.00003; gnomAD exomes 0.00004; gnomAD 0.00005.
gnomAD v4.1: 59 of 1,613,992 alleles (0.0037%); highest among the groups gnomAD compares: African/African-American, 0.012%; no homozygotes.

Submissions (2):

Ambry Genetics
Classification: Uncertain significance for Inborn genetic diseases. Last evaluated: 2023-08-14. Review status: criteria provided, single submitter. Criteria: Ambry Variant Classification Scheme 2023. Collection method: clinical testing. Allele origin: germline.

Labcorp Genetics (formerly Invitae), Labcorp
Classification: Uncertain significance. Last evaluated: 2022-03-13. Review status: criteria provided, single submitter. Criteria: Invitae Variant Classification Sherloc (09022015). Collection method: clinical testing. Allele origin: germline.
Comment: This sequence change replaces arginine, which is basic and polar, with glutamine, which is neutral and polar, at codon 192 of the DCHS1 protein (p.Arg192Gln). This variant is present in population databases (rs556920474, gnomAD 0.01%). This variant has not been reported in the literature in individuals affected with DCHS1-related conditions. Advanced modeling of protein sequence and biophysical properties (such as structural, functional, and spatial information, amino acid conservation, physicochemical variation, residue mobility, and thermodynamic stability) performed at Invitae indicates that this missense variant is not expected to disrupt DCHS1 protein function. In summary, the available evidence is currently insufficient to determine the role of this variant in disease. Therefore, it has been classified as a Variant of Uncertain Significance.